The following is an entry in ClinVar:

NM_022124.6(CDH23):c.5986G>A (p.Ala1996Thr)

Gene: CDH23 (cadherin related 23; plus strand). Cytogenetic location: 10q22.1.
Variant type: single nucleotide variant.
Coding change: c.5986G>A on transcript NM_022124.6 (MANE Select); coding-DNA position 5986, G replaced by A.
Protein change: p.Ala1996Thr; replaces alanine 1996 with threonine.
Molecular consequence: missense variant.
Genome position (GRCh38, 1-based): chr10:71,790,350, G>A. VCF-style: chr10-71790350-G-A. GRCh37 (hg19) VCF-style: chr10-73550107-G-A.
Other names: short protein forms A1996T.
Identifiers: ClinVar variation 1809920 (VCV001809920.6), dbSNP rs761757340, ClinGen allele CA5545954.
Genomic context (GRCh38, chr10:71,790,350, plus strand): 5'-ACCCCTCTCACGGTGCTCAATGGGCCCATCCTGGCCCTGGATGCAGACCAAGACATCTAC[G>A]CCGTGGTGACCTACCAGCTGCTGGGTGCCCAGAGTGGCCTCTTTGACATCAACAGCAGCA-3'
Protein context (NP_071407.4, residues 1986-2006): LALDADQDIY[Ala1996Thr]VVTYQLLGAQ

ClinVar aggregate classification (germline): Uncertain significance. Review status: criteria provided, multiple submitters, no conflicts (2 of 4 stars). 3 submissions from 3 submitters: Uncertain significance (3). Last evaluated 2024-05-29.

Conditions:
Pituitary adenoma 5, multiple types. Identifiers: MedGen C4539685, MONDO:0054601, OMIM 617540.

Allele frequency attached by ClinVar (database versions not stated): gnomAD 0.00003.
gnomAD v4.1: 25 of 1,613,628 alleles (0.0015%); highest among the groups gnomAD compares: Admixed American, 0.018%; no homozygotes.

Submissions (3):

Labcorp Genetics (formerly Invitae), Labcorp
Classification: Uncertain significance. Last evaluated: 2024-05-29. Review status: criteria provided, single submitter. Criteria: Invitae Variant Classification Sherloc (09022015). Collection method: clinical testing. Allele origin: germline.
Comment: This sequence change replaces alanine, which is neutral and non-polar, with threonine, which is neutral and polar, at codon 1996 of the CDH23 protein (p.Ala1996Thr). This variant is present in population databases (rs761757340, gnomAD 0.02%). This variant has not been reported in the literature in individuals affected with CDH23-related conditions. ClinVar contains an entry for this variant (Variation ID: 1809920). Advanced modeling of protein sequence and biophysical properties (such as structural, functional, and spatial information, amino acid conservation, physicochemical variation, residue mobility, and thermodynamic stability) performed at Invitae indicates that this missense variant is not expected to disrupt CDH23 protein function with a negative predictive value of 95%. In summary, the available evidence is currently insufficient to determine the role of this variant in disease. Therefore, it has been classified as a Variant of Uncertain Significance.

Baylor Genetics
Classification: Uncertain significance for Pituitary adenoma 5, multiple types. Last evaluated: 2024-01-16. Review status: criteria provided, single submitter. Criteria: ACMG Guidelines, 2015. Collection method: clinical testing. Allele origin: unknown.

GeneDx
Classification: Uncertain significance. Last evaluated: 2023-06-05. Review status: criteria provided, single submitter. Criteria: GeneDx Variant Classification Process June 2021. Collection method: clinical testing. Allele origin: germline. Affected: yes.
Comment: In silico analysis supports that this missense variant does not alter protein structure/function; Has not been previously published as pathogenic or benign to our knowledge